The following is an entry in ClinVar:

ClinVar aggregate classification (germline): Benign/Likely benign. Review status: criteria provided, multiple submitters, no conflicts (2 of 4 stars). 7 submissions from 7 submitters: Benign (6); Likely benign (1). Last evaluated 2026-02-04.

Conditions:
Primary ciliary dyskinesia. Also called: Ciliary dyskinesia. Identifiers: Orphanet 244, MedGen C0008780, MONDO:0016575, HP:0012265.

Allele frequency attached by ClinVar (database versions not stated): 1000 Genomes Project 0.05252; 1000 Genomes Project 30x 0.05325; TOPMed 0.05821; gnomAD 0.06056 and 0.06118; gnomAD exomes 0.06683 and 0.07765; ESP Exome Variant Server 0.06956; ExAC 0.07052.
gnomAD v4.1: 122,582 of 1,613,064 alleles (7.6%); highest among the groups gnomAD compares: South Asian, 11%; 5,191 homozygotes.

Submissions (7):

Labcorp Genetics (formerly Invitae), Labcorp
Classification: Benign for Primary ciliary dyskinesia. Last evaluated: 2026-02-04. Review status: criteria provided, single submitter. Criteria: Invitae Variant Classification Sherloc (09022015). Collection method: clinical testing. Allele origin: germline.

Blueprint Genetics
Classification: Benign. Last evaluated: 2024-11-27. Review status: criteria provided, single submitter. Criteria: ACMG Guidelines, 2015. Collection method: clinical testing. Allele origin: germline.

Mayo Clinic Laboratories, Mayo Clinic
Classification: Benign. Last evaluated: 2022-04-26. Review status: criteria provided, single submitter. Criteria: ACMG Guidelines, 2015. Collection method: clinical testing. Allele origin: germline. Observed: 22 variant alleles.

GeneDx
Classification: Benign. Last evaluated: 2019-02-18. Review status: criteria provided, single submitter. Criteria: GeneDx Variant Classification Process June 2021. Collection method: clinical testing. Allele origin: germline. Affected: yes.

Laboratory for Molecular Medicine, Mass General Brigham Personalized Medicine
Classification: Benign. Last evaluated: 2013-02-21. Review status: criteria provided, single submitter. Criteria: LMM Criteria. Collection method: clinical testing. Allele origin: germline. Observed: 16 variant alleles.
Comment: Lys4501Arg in exon 82 of DNAH11: This variant is not expected to have clinical s ignificance because it has been identified in 8.2% (682/8292) of European Americ an chromosomes from a broad population by the NHLBI Exome Sequencing Project (dbSNP rs77448980).

Breakthrough Genomics
Classification: Likely benign. Review status: criteria provided, single submitter. Criteria: ACMG Guidelines, 2015. Collection method: not provided. Allele origin: germline. Inheritance: Autosomal recessive inheritance. Affected: yes.

PreventionGenetics, part of Exact Sciences
Classification: Benign. Review status: criteria provided, single submitter. Criteria: ACMG Guidelines, 2015. Collection method: clinical testing. Allele origin: germline.

NM_001277115.2(DNAH11):c.13502A>G (p.Lys4501Arg)

Genes: CDCA7L (cell division cycle associated 7 like; minus strand), DNAH11 (dynein axonemal heavy chain 11; plus strand). Cytogenetic location: 7p15.3.
Variant type: single nucleotide variant.
Coding change: c.13502A>G on transcript NM_001277115.2 (MANE Select); coding-DNA position 13502, A replaced by G.
Protein change: p.Lys4501Arg; replaces lysine 4501 with arginine.
Molecular consequence: missense variant. On other transcripts: 3 prime UTR variant (3).
Genome position (GRCh38, 1-based): chr7:21,901,205, A>G. VCF-style: chr7-21901205-A-G. GRCh37 (hg19) VCF-style: chr7-21940823-A-G.
Other names: c.*1117T>C (NM_001127370.3, NM_001127371.3, NM_018719.5); short protein forms K4501R.
Identifiers: ClinVar variation 163130 (VCV000163130.24), dbSNP rs77448980, ClinGen allele CA175765.